The following is an entry in ClinVar:

NM_145046.5(CALR3):c.787-25_787-12del

Gene: CALR3 (calreticulin 3; minus strand). Cytogenetic location: 19p13.11.
Variant type: Deletion.
Coding change: c.787-25_787-12del on transcript NM_145046.5 (MANE Select); 25 bases into the intron before coding-DNA position 787 through 12 bases into the intron before coding-DNA position 787, 14 bases deleted (ACCCCATATGGTTT).
Molecular consequence: intron variant.
Genome position (GRCh38, 1-based): chr19:16,482,593-16,482,606, AAACCATATGGGGT deleted on the plus strand (ACCCCATATGGTTT on the coding strand, the reverse complement: CALR3 is on the minus strand). VCF-style (leftmost placement, unchanged base first): chr19-16482592-AAAACCATATGGGGT-A. GRCh37 (hg19) VCF-style: chr19-16593403-AAAACCATATGGGGT-A.
Identifiers: ClinVar variation 4692889 (VCV004692889.1).

ClinVar aggregate classification (germline): Uncertain significance (1 of 4 stars; one submission).

Conditions:
Hypertrophic cardiomyopathy 19. Also called: Familial hypertrophic cardiomyopathy 19. Identifiers: MedGen CN077603, MONDO:0013476.

Submission:

Labcorp Genetics (formerly Invitae), Labcorp
Classification: Uncertain significance for Hypertrophic cardiomyopathy 19. Last evaluated: 2026-01-16. Review status: criteria provided, single submitter. Criteria: Invitae Variant Classification Sherloc (09022015). Collection method: clinical testing. Allele origin: germline.
Comment: This sequence change falls in intron 6 of the CALR3 gene. It does not directly change the encoded amino acid sequence of the CALR3 protein. This variant is not present in population databases (gnomAD no frequency). This variant has not been reported in the literature in individuals affected with CALR3-related conditions. Experimental studies and prediction algorithms are not available or were not evaluated, and the effect of this variant on mRNA splicing is currently unknown. In summary, the available evidence is currently insufficient to determine the role of this variant in disease. Therefore, it has been classified as a Variant of Uncertain Significance.